The following is an entry in ClinVar:

NM_052867.4(NALCN):c.3826_3827del (p.Tyr1276fs)

Gene: NALCN (sodium leak channel, non-selective; minus strand). Cytogenetic location: 13q32.3.
Variant type: Deletion.
Coding change: c.3826_3827del on transcript NM_052867.4 (MANE Select); coding-DNA positions 3826 to 3827, 2 bases deleted (TA; older notation c.3826_3827delTA).
Protein change: p.Tyr1276fs; shifts the reading frame from tyrosine 1276.
Molecular consequence: frameshift variant.
Genome position (GRCh38, 1-based): chr13:101,081,585-101,081,586, TA deleted on the plus strand (TA on the coding strand, the reverse complement: NALCN is on the minus strand); deleting any 2 consecutive bases within chr13:101,081,585-101,081,587 gives the same sequence; the c. name uses the placement nearest the transcript's 3' end. VCF-style (leftmost placement, unchanged base first): chr13-101081584-GTA-G. GRCh37 (hg19) VCF-style: chr13-101733935-GTA-G.
Other names: c.3913_3914del, p.Tyr1305fs (NM_001350748.2); c.3826_3827del, p.Tyr1276fs (NM_001350749.2); c.3739_3740del, p.Tyr1247fs (NM_001350750.2, NM_001350751.2); short protein forms Y1247fs, Y1276fs, Y1305fs.
Identifiers: ClinVar variation 4814190 (VCV004814190.1).
Genomic context (GRCh38, chr13:101,081,584, plus strand): 5'-TACCAGGAGGGCAAAGTGAAGCACCACCCATACAACGCCAAGCGACGTCACCAGGAGATC[GTA>G]TCGGTTTCTTCTGCTTTGCCAGAAGCCAGCAGGCGACATTGCTATGATCTTCATGGTAAC-3'

ClinVar aggregate classification (germline): Pathogenic (1 of 4 stars; one submission).

Conditions:
NALCN-related disorder. Also called: NALCN-related disorders; NALCN-related condition.

Submission:

Rady Children's Institute for Genomic Medicine, Rady Children's Hospital San Diego
Classification: Pathogenic for NALCN-related disorders. Last evaluated: 2024-11-27. Review status: criteria provided, single submitter. Criteria: ACMG Guidelines, 2015. Collection method: clinical testing. Allele origin: germline. Affected: yes.
Comment: This frameshifting variant in exon 34 of 44 is predicted to result in loss of normal protein function through either protein truncation or nonsense-mediated mRNA decay. This variant has not been previously reported or functionally characterized in the literature to our knowledge. The c.3826_3827del (p.Tyr1276ArgfsTer34) variant is present in the latest version of the gnomAD population database at an allele frequency of 0.0014% (22/1614144) and thus is presumed to be rare. Based on the available evidence, c.3826_3827del (p.Tyr1276ArgfsTer34) is classified as Pathogenic.